The following is an entry in ClinVar:

NM_001042492.3(NF1):c.3090A>G (p.Ser1030=)

Gene: NF1 (neurofibromin 1; plus strand). Cytogenetic location: 17q11.2.
Variant type: single nucleotide variant.
Coding change: c.3090A>G on transcript NM_001042492.3 (MANE Select); coding-DNA position 3090, A replaced by G.
Protein change: p.Ser1030=; no amino-acid change (serine 1030 retained).
Molecular consequence: synonymous variant.
Genome position (GRCh38, 1-based): chr17:31,230,359, A>G. VCF-style: chr17-31230359-A-G. GRCh37 (hg19) VCF-style: chr17-29557377-A-G.
Other names: c.3090A>G, p.Ser1030= (NM_000267.4).
Identifiers: ClinVar variation 1727456 (VCV001727456.8), dbSNP rs2508206976, ClinGen allele CA499232019.
Genomic context (GRCh38, chr17:31,230,359, plus strand): 5'-AATAAAAACGAAACTGTGTCAATTAGTTGAAGTAATGATGGCAAGGAGAGATGACCTCTC[A>G]TTTTGCCAAGAGATGAAATTTAGGTGAGTTCTCAAAAGAGCAATGTAGGGTCTTGTAAAT-3'
Protein context (NP_001035957.1, residues 1020-1040): EVMMARRDDL[Ser1030=]FCQEMKFRNK

ClinVar aggregate classification (germline): Benign/Likely benign. Review status: criteria provided, multiple submitters, no conflicts (2 of 4 stars). 3 submissions from 3 submitters: Benign (1); Likely benign (2). Last evaluated 2026-09-29.

Conditions:
Neurofibromatosis, type 1 (NF1). Also called: VON RECKLINGHAUSEN DISEASE; Peripheral type neurofibromatosis; NEUROFIBROMATOSIS, TYPE I, SOMATIC; Neurofibromatosis, type I. Identifiers: Orphanet 636, MedGen C0027831, MONDO:0018975, OMIM 162200. Disease mechanism: loss of function.
Cardiovascular phenotype. Identifiers: MedGen CN230736.
Hereditary cancer-predisposing syndrome. Also called: Hereditary neoplastic syndrome; Neoplastic Syndromes, Hereditary; Tumor predisposition; Hereditary Cancer Syndrome. Identifiers: Orphanet 140162, MedGen C0027672, MeSH D009386, MONDO:0015356.

Submissions (3):

Myriad Genetics, Inc.
Classification: Benign for Neurofibromatosis, type 1. Last evaluated: 2026-09-29. Review status: criteria provided, single submitter. Criteria: Myriad Autosomal Dominant, Autosomal Recessive and X-Linked Classification Criteria (2023). Collection method: clinical testing. Allele origin: unknown.
Comment: This variant is considered benign. This variant is a silent/synonymous amino acid change and it is not expected to impact splicing.

Labcorp Genetics (formerly Invitae), Labcorp
Classification: Likely benign for Neurofibromatosis, type 1. Last evaluated: 2022-11-11. Review status: criteria provided, single submitter. Criteria: Invitae Variant Classification Sherloc (09022015). Collection method: clinical testing. Allele origin: germline.

Ambry Genetics
Classification: Likely benign for Cardiovascular phenotype; Hereditary cancer-predisposing syndrome. Last evaluated: 2021-11-05. Review status: criteria provided, single submitter. Criteria: Ambry Variant Classification Scheme 2023. Collection method: clinical testing. Allele origin: germline.